The following is an entry in ClinVar:

ClinVar aggregate classification (germline): Benign/Likely benign. Review status: criteria provided, multiple submitters, no conflicts (2 of 4 stars). 5 submissions from 5 submitters: Benign (1); Likely benign (3). 1 of the submissions does not count toward it. Last evaluated 2026-01-07.

Conditions:
Hereditary cancer-predisposing syndrome. Also called: Neoplastic Syndromes, Hereditary; Hereditary neoplastic syndrome; Hereditary Cancer Syndrome; Tumor predisposition. Identifiers: Orphanet 140162, MedGen C0027672, MeSH D009386, MONDO:0015356.
POLD1-related polyposis and colorectal cancer syndrome (CRCS10). Also called: Colorectal cancer, susceptibility to, 10; Colorectal cancer 10; COLORECTAL CANCER, SUSCEPTIBILITY TO, ON CHROMOSOME 19q. Identifiers: Orphanet 220460, MedGen C2675481, MONDO:0012953, OMIM 612591.
POLD1-related disorder. Also called: POLD1-related disorders; POLD1-related condition.

Allele frequency attached by ClinVar (database versions not stated): TOPMed below 0.00001; gnomAD 0.00001; gnomAD exomes 0.00001 and 0.00005; ExAC 0.00006.
gnomAD v4.1: 19 of 1,613,364 alleles (0.0012%); highest among the groups gnomAD compares: East Asian, 0.018%; no homozygotes.

Submissions (5):

Labcorp Genetics (formerly Invitae), Labcorp
Classification: Likely benign for POLD1-related polyposis and colorectal cancer syndrome. Last evaluated: 2026-01-07. Review status: criteria provided, single submitter. Criteria: Invitae Variant Classification Sherloc (09022015). Collection method: clinical testing. Allele origin: germline.

Myriad Genetics, Inc.
Classification: Benign for POLD1-related polyposis and colorectal cancer syndrome. Last evaluated: 2025-02-07. Review status: criteria provided, single submitter. Criteria: Myriad Autosomal Dominant, Autosomal Recessive and X-Linked Classification Criteria (2023). Collection method: clinical testing. Allele origin: unknown.
Comment: This variant is considered benign. This variant is a silent/synonymous amino acid change and it is not expected to impact splicing.

GeneDx
Classification: Likely benign. Last evaluated: 2017-05-26. Review status: criteria provided, single submitter. Criteria: GeneDx Variant Classification (06012015). Collection method: clinical testing. Allele origin: germline. Affected: yes.
Comment: This variant is considered likely benign or benign based on one or more of the following criteria: it is a conservative change, it occurs at a poorly conserved position in the protein, it is predicted to be benign by multiple in silico algorithms, and/or has population frequency not consistent with disease.

Ambry Genetics
Classification: Likely benign for Hereditary cancer-predisposing syndrome. Last evaluated: 2016-06-13. Review status: criteria provided, single submitter. Criteria: Ambry Variant Classification Scheme 2023. Collection method: clinical testing. Allele origin: germline.

PreventionGenetics, part of Exact Sciences
Classification: Likely benign for POLD1-related condition. Last evaluated: 2024-07-12. Review status: no assertion criteria provided. Collection method: clinical testing. Allele origin: germline. Not counted in ClinVar's aggregate classification.
Comment: This variant is classified as likely benign based on ACMG/AMP sequence variant interpretation guidelines (Richards et al. 2015 PMID: 25741868, with internal and published modifications).

NM_002691.4(POLD1):c.1617T>C (p.Thr539=)

Gene: POLD1 (DNA polymerase delta 1, catalytic subunit; plus strand). Cytogenetic location: 19q13.33.
Variant type: single nucleotide variant.
Coding change: c.1617T>C on transcript NM_002691.4 (MANE Select); coding-DNA position 1617, T replaced by C.
Protein change: p.Thr539=; no amino-acid change (threonine 539 retained).
Molecular consequence: synonymous variant. On other transcripts: non-coding transcript variant (1).
Genome position (GRCh38, 1-based): chr19:50,407,105, T>C. VCF-style: chr19-50407105-T-C. GRCh37 (hg19) VCF-style: chr19-50910362-T-C.
Other names: c.1617T>C, p.Thr539= (NM_001256849.1, NM_001308632.1).
Identifiers: ClinVar variation 385965 (VCV000385965.18), dbSNP rs781343915, ClinGen allele CA9596189.